The following is an entry in ClinVar:

ClinVar aggregate classification (germline): Pathogenic (1 of 4 stars; one submission).

Submission:

Labcorp Genetics (formerly Invitae), Labcorp
Classification: Pathogenic. Last evaluated: 2022-04-08. Review status: criteria provided, single submitter. Criteria: Invitae Variant Classification Sherloc (09022015). Collection method: clinical testing. Allele origin: germline.
Comment: This variant is a gross deletion of the genomic region encompassing exon(s) 2-35 of the ELP1 gene, which includes the initiator codon. This deletion extends beyond the assayed region for this gene and therefore may encompass additional genes. It is expected to result in an absent or disrupted protein product. Loss-of-function variants in ELP1 are known to be pathogenic (PMID: 18303054, 24173031). This variant has not been reported in the literature in individuals affected with ELP1-related conditions. For these reasons, this variant has been classified as Pathogenic.

Literature cited by the submitters: PubMed 18303054; PubMed 24173031.

NC_000009.12:g.(?_108877985)_(108931156_?)del

Gene: ELP1 (elongator acetyltransferase complex subunit 1; minus strand). Cytogenetic location: 9q31.3.
Variant type: Deletion.
Identifiers: ClinVar variation 660683 (VCV000660683.3).